The following is an entry in ClinVar:

ClinVar aggregate classification (germline): Uncertain significance. Review status: criteria provided, multiple submitters, no conflicts (2 of 4 stars). 3 submissions from 3 submitters: Uncertain significance (3). Last evaluated 2023-09-08.

Conditions:
Cortical dysplasia-focal epilepsy syndrome (PTHSL1). Also called: Pitt-Hopkins-like syndrome 1. Identifiers: Orphanet 163681, Orphanet 221150, MedGen C2750246, MONDO:0012400, OMIM 610042.

Allele frequency attached by ClinVar (database versions not stated): gnomAD 0.00001; TOPMed 0.00002; ESP Exome Variant Server 0.00008.

Submissions (3):

Blueprint Genetics
Classification: Uncertain significance. Last evaluated: 2023-09-08. Review status: criteria provided, single submitter. Criteria: ACMG Guidelines, 2015. Collection method: clinical testing. Allele origin: germline.

GeneDx
Classification: Uncertain significance. Last evaluated: 2022-09-09. Review status: criteria provided, single submitter. Criteria: GeneDx Variant Classification Process June 2021. Collection method: clinical testing. Allele origin: germline. Affected: yes.
Comment: Not observed at significant frequency in large population cohorts (gnomAD); In silico analysis supports that this missense variant has a deleterious effect on protein structure/function; Has not been previously published as pathogenic or benign to our knowledge

Labcorp Genetics (formerly Invitae), Labcorp
Classification: Uncertain significance for Cortical dysplasia-focal epilepsy syndrome. Last evaluated: 2021-02-19. Review status: criteria provided, single submitter. Criteria: Invitae Variant Classification Sherloc (09022015). Collection method: clinical testing. Allele origin: germline.
Comment: This sequence change replaces glycine with serine at codon 344 of the CNTNAP2 protein (p.Gly344Ser). The glycine residue is weakly conserved and there is a small physicochemical difference between glycine and serine. This variant is not present in population databases (ExAC no frequency). This variant has not been reported in the literature in individuals with CNTNAP2-related conditions. ClinVar contains an entry for this variant (Variation ID: 418708). Algorithms developed to predict the effect of missense changes on protein structure and function are either unavailable or do not agree on the potential impact of this missense change (SIFT: "Tolerated"; PolyPhen-2: "Possibly Damaging"; Align-GVGD: "Class C0"). In summary, the available evidence is currently insufficient to determine the role of this variant in disease. Therefore, it has been classified as a Variant of Uncertain Significance.

NM_014141.6(CNTNAP2):c.1030G>A (p.Gly344Ser)

Gene: CNTNAP2 (contactin associated protein 2; plus strand). Cytogenetic location: 7q35.
Variant type: single nucleotide variant.
Coding change: c.1030G>A on transcript NM_014141.6 (MANE Select); coding-DNA position 1030, G replaced by A.
Protein change: p.Gly344Ser; replaces glycine 344 with serine.
Molecular consequence: missense variant.
Genome position (GRCh38, 1-based): chr7:147,128,783, G>A. VCF-style: chr7-147128783-G-A. GRCh37 (hg19) VCF-style: chr7-146825875-G-A.
Other names: short protein forms G344S.
Identifiers: ClinVar variation 418708 (VCV000418708.11), dbSNP rs367878797, ClinGen allele CA16618376.